The following is an entry in ClinVar:

NM_001283009.2(RTEL1):c.2774C>T (p.Ser925Phe)

Genes: RTEL1 (regulator of telomere elongation helicase 1; plus strand), RTEL1-TNFRSF6B (RTEL1-TNFRSF6B readthrough (NMD candidate); plus strand). Cytogenetic location: 20q13.33.
Variant type: single nucleotide variant.
Coding change: c.2774C>T on transcript NM_001283009.2 (MANE Select); coding-DNA position 2774, C replaced by T.
Protein change: p.Ser925Phe; replaces serine 925 with phenylalanine.
Molecular consequence: missense variant. On other transcripts: non-coding transcript variant (1).
Genome position (GRCh38, 1-based): chr20:63,692,926, C>T. VCF-style: chr20-63692926-C-T. GRCh37 (hg19) VCF-style: chr20-62324279-C-T.
Other names: c.2105C>T, p.Ser702Phe (NM_001283010.1); c.2774C>T, p.Ser925Phe (NM_016434.4); c.2846C>T, p.Ser949Phe (NM_032957.5); short protein forms S925F, S702F, S949F.
Identifiers: ClinVar variation 2192747 (VCV002192747.3), dbSNP rs770018942, ClinGen allele CA409683016.

ClinVar aggregate classification (germline): Uncertain significance (1 of 4 stars; one submission).

Conditions:
Pulmonary fibrosis and/or bone marrow failure, Telomere-related, 3. Also called: PULMONARY FIBROSIS AND/OR BONE MARROW FAILURE SYNDROME, TELOMERE-RELATED, 3. Identifiers: Orphanet 2032, MedGen C4225346, MONDO:0014613, OMIM 616373.
Dyskeratosis congenita, autosomal recessive 5 (DKCB5). Identifiers: MedGen C3554656, MONDO:0014076, OMIM 615190.

gnomAD v4.1: 3 of 1,612,560 alleles (0.00019%); highest among the groups gnomAD compares: African/African-American, 0.004%; no homozygotes.

Submission:

Labcorp Genetics (formerly Invitae), Labcorp
Classification: Uncertain significance for Dyskeratosis congenita, autosomal recessive 5; Pulmonary fibrosis and/or bone marrow failure, Telomere-related, 3. Last evaluated: 2024-06-09. Review status: criteria provided, single submitter. Criteria: Invitae Variant Classification Sherloc (09022015). Collection method: clinical testing. Allele origin: germline.
Comment: This sequence change replaces serine, which is neutral and polar, with phenylalanine, which is neutral and non-polar, at codon 925 of the RTEL1 protein (p.Ser925Phe). This variant is not present in population databases (gnomAD no frequency). This variant has not been reported in the literature in individuals affected with RTEL1-related conditions. ClinVar contains an entry for this variant (Variation ID: 2192747). An algorithm developed to predict the effect of missense changes on protein structure and function (PolyPhen-2) suggests that this variant is likely to be disruptive. In summary, the available evidence is currently insufficient to determine the role of this variant in disease. Therefore, it has been classified as a Variant of Uncertain Significance.